The following is an entry in ClinVar:

ClinVar aggregate classification (germline): Uncertain significance. Review status: criteria provided, multiple submitters, no conflicts (2 of 4 stars). 2 submissions from 2 submitters: Uncertain significance (2). Last evaluated 2024-12-06.

Conditions:
Inborn genetic diseases. Identifiers: MedGen C0950123, MeSH D030342.

Allele frequency attached by ClinVar (database versions not stated): gnomAD exomes 0.00001 and 0.00002; ExAC 0.00002; gnomAD 0.00002 and 0.00003; TOPMed 0.00004; 1000 Genomes Project 0.00020; 1000 Genomes Project 30x 0.00031.
gnomAD v4.1: 23 of 1,612,474 alleles (0.0014%); highest among the groups gnomAD compares: African/African-American, 0.011%; 1 homozygote.

Submissions (2):

Ambry Genetics
Classification: Uncertain significance for Inborn genetic diseases. Last evaluated: 2024-12-06. Review status: criteria provided, single submitter. Criteria: Ambry Variant Classification Scheme 2023. Collection method: clinical testing. Allele origin: germline.
Comment: The p.R1249H variant (also known as c.3746G>A), located in coding exon 25 of the ANKRD26 gene, results from a G to A substitution at nucleotide position 3746. The arginine at codon 1249 is replaced by histidine, an amino acid with highly similar properties. This amino acid position is conserved. In addition, this alteration is predicted to be tolerated by in silico analysis. Based on the available evidence, the clinical significance of this variant remains unclear.

GeneDx
Classification: Uncertain significance. Last evaluated: 2024-04-24. Review status: criteria provided, single submitter. Criteria: GeneDx Variant Classification Process June 2021. Collection method: clinical testing. Allele origin: germline. Affected: yes.
Comment: In silico analysis supports that this missense variant has a deleterious effect on protein structure/function; Has not been previously published as pathogenic or benign to our knowledge

NM_014915.3(ANKRD26):c.3746G>A (p.Arg1249His)

Gene: ANKRD26 (ankyrin repeat domain containing 26; minus strand). Cytogenetic location: 10p12.1.
Variant type: single nucleotide variant.
Coding change: c.3746G>A on transcript NM_014915.3 (MANE Select); coding-DNA position 3746, G replaced by A.
Protein change: p.Arg1249His; replaces arginine 1249 with histidine.
Molecular consequence: missense variant.
Genome position (GRCh38, 1-based): chr10:27,033,286, C>T on the plus strand (G>A on the coding strand, the complement: ANKRD26 is on the minus strand). VCF-style: chr10-27033286-C-T. GRCh37 (hg19) VCF-style: chr10-27322215-C-T.
Other names: c.3743G>A, p.Arg1248His (NM_001256053.2); short protein forms R1248H, R1249H.
Identifiers: ClinVar variation 1683997 (VCV001683997.6), dbSNP rs533779349, ClinGen allele CA5447965.
Genomic context (GRCh38, chr10:27,033,286, plus strand): 5'-TGATTTCTGATTTGACCTAATTTCTTCTTTAAATCCTGTGTCTCATCTTCTAAATTAATA[C>T]GATAACGTGACGTAACCTCCAGTGAAGCCTCTGACATAGATTGTTTTTTTAGGGTATCAG-3'
Protein context (NP_055730.2, residues 1239-1259): EASLEVTSRY[Arg1249His]INLEDETQDL